The following is an entry in ClinVar:

NM_002880.4(RAF1):c.1342A>G (p.Ile448Val)

Gene: RAF1 (Raf-1 proto-oncogene, serine/threonine kinase; minus strand). Cytogenetic location: 3p25.2.
Variant type: single nucleotide variant.
Coding change: c.1342A>G on transcript NM_002880.4 (MANE Select); coding-DNA position 1342, A replaced by G.
Protein change: p.Ile448Val; replaces isoleucine 448 with valine.
Molecular consequence: missense variant. On other transcripts: non-coding transcript variant (3).
Genome position (GRCh38, 1-based): chr3:12,590,826, T>C on the plus strand (A>G on the coding strand, the complement: RAF1 is on the minus strand). VCF-style: chr3-12590826-T-C. GRCh37 (hg19) VCF-style: chr3-12632325-T-C.
Other names: c.1402A>G, p.Ile468Val (NM_001354689.3); c.1342A>G, p.Ile448Val (NM_001354690.3); c.1099A>G, p.Ile367Val (NM_001354691.3, NM_001354692.3); c.1243A>G, p.Ile415Val (NM_001354693.3); c.1159A>G, p.Ile387Val (NM_001354694.3); c.1000A>G, p.Ile334Val (NM_001354695.3); short protein forms I334V, I415V, I468V, I367V, I387V, I448V.
Identifiers: ClinVar variation 1770388 (VCV001770388.5), dbSNP rs767580335, ClinGen allele CA2259534.
Genomic context (GRCh38, chr3:12,590,826, plus strand): 5'-GGTCCCAGAGAGGCATCAGACCATCTACTCACTCCATTCCCTGAGCCGTCTGCCGGGCAA[T>C]GTCAATTAGCTGGAACATCTGAAACTTGGTCTCCTGGACATGCAGGTGTTTGTAGAGGCT-3'
Protein context (NP_002871.1, residues 438-458): TKFQMFQLID[Ile448Val]ARQTAQGMDY

ClinVar aggregate classification (germline): Uncertain significance. Review status: criteria provided, multiple submitters, no conflicts (2 of 4 stars). 2 submissions from 2 submitters: Uncertain significance (2). Last evaluated 2025-01-28.

Conditions:
RASopathy. Also called: rasopathies; Noonan spectrum disorder. Identifiers: Orphanet 536391, MedGen C5555857, MONDO:0021060.
Cardiovascular phenotype. Identifiers: MedGen CN230736.

Allele frequency attached by ClinVar (database versions not stated): TOPMed below 0.00001; ExAC 0.00003.

Submissions (2):

Labcorp Genetics (formerly Invitae), Labcorp
Classification: Uncertain significance for RASopathy. Last evaluated: 2025-01-28. Review status: criteria provided, single submitter. Criteria: Invitae Variant Classification Sherloc (09022015). Collection method: clinical testing. Allele origin: germline.
Comment: This sequence change replaces isoleucine, which is neutral and non-polar, with valine, which is neutral and non-polar, at codon 448 of the RAF1 protein (p.Ile448Val). This variant is present in population databases (rs767580335, gnomAD 0.02%). This missense change has been observed in individual(s) with therapy-related acute myeloid leukemia (PMID: 16585161, 32191290). ClinVar contains an entry for this variant (Variation ID: 1770388). Invitae Evidence Modeling of protein sequence and biophysical properties (such as structural, functional, and spatial information, amino acid conservation, physicochemical variation, residue mobility, and thermodynamic stability) indicates that this missense variant is expected to disrupt RAF1 protein function with a positive predictive value of 95%. Experimental studies are conflicting or provide insufficient evidence to determine the effect of this variant on RAF1 function (PMID: 16585161). In summary, the available evidence is currently insufficient to determine the role of this variant in disease. Therefore, it has been classified as a Variant of Uncertain Significance.

Ambry Genetics
Classification: Uncertain significance for Cardiovascular phenotype. Last evaluated: 2022-02-23. Review status: criteria provided, single submitter. Criteria: Ambry Variant Classification Scheme 2023. Collection method: clinical testing. Allele origin: germline.
Comment: The p.I448V variant (also known as c.1342A>G), located in coding exon 11 of the RAF1 gene, results from an A to G substitution at nucleotide position 1342. The isoleucine at codon 448 is replaced by valine, an amino acid with highly similar properties. This variant has been reported in tumor sample and as a germline event in an individual with therapy-related acute myeloid leukemia. Functional studies by the same group indicated that this variant did not result in enhanced kinase activity or stimulation of phosphorylation of MEK and ERK (Zebisch A et al. Cancer Res, 2006 Apr;66:3401-8). This amino acid position is highly conserved in available vertebrate species. In addition, this alteration is predicted to be deleterious by in silico analysis. Since supporting evidence is limited at this time, the clinical significance of this alteration remains unclear.

Literature cited by the submitters: PubMed 16585161 (cited by Labcorp Genetics (formerly Invitae), Labcorp and Ambry Genetics); PubMed 32191290 (cited by Labcorp Genetics (formerly Invitae), Labcorp); PubMed 19357705 (cited by Ambry Genetics).